The following is an entry in ClinVar:

ClinVar aggregate classification (germline): Uncertain significance. Review status: criteria provided, single submitter (1 of 4 stars). 2 submissions from 2 submitters: Uncertain significance (1). 1 of the submissions does not count toward it. Last evaluated 2022-10-28.

Conditions:
Metaphyseal chondrodysplasia, McKusick type (CHH). Also called: Cartilage-Hair Hypoplasia (CHH); Cartilage-hair hypoplasia. Identifiers: Orphanet 175, MedGen C0220748, MONDO:0009595, OMIM 250250.
Anauxetic dysplasia. Identifiers: Orphanet 93347, MedGen C1846796, MONDO:0011773.

Allele frequency attached by ClinVar (database versions not stated): gnomAD 0.00006; TOPMed 0.00007.
gnomAD v4.1: 24 of 700,320 alleles (0.0034%); highest among the groups gnomAD compares: African/African-American, 0.014%; no homozygotes.

Submissions (2):

Labcorp Genetics (formerly Invitae), Labcorp
Classification: Uncertain significance for Anauxetic dysplasia. Last evaluated: 2022-10-28. Review status: criteria provided, single submitter. Criteria: Invitae Variant Classification Sherloc (09022015). Collection method: clinical testing. Allele origin: germline.
Comment: This variant occurs in the RMRP gene, which encodes an RNA molecule that does not result in a protein product. This variant is present in population databases (no rsID available, gnomAD 0.02%). This variant has not been reported in the literature in individuals affected with RMRP-related conditions. ClinVar contains an entry for this variant (Variation ID: 574829). Experimental studies and prediction algorithms are not available or were not evaluated, and the functional significance of this variant is currently unknown. In summary, the available evidence is currently insufficient to determine the role of this variant in disease. Therefore, it has been classified as a Variant of Uncertain Significance.

Natera, Inc.
Classification: Uncertain significance for Cartilage-hair hypoplasia. Last evaluated: 2020-01-17. Review status: no assertion criteria provided. Collection method: clinical testing. Allele origin: germline. Not counted in ClinVar's aggregate classification.

NR_003051.4(RMRP):n.116G>A

Gene: RMRP (RNA component of mitochondrial RNA processing endoribonuclease; minus strand). Cytogenetic location: 9p13.3.
Variant type: single nucleotide variant.
Genome position: GRCh38 VCF-style: chr9-35657904-C-T. GRCh37 (hg19) VCF-style: chr9-35657901-C-T.
Identifiers: ClinVar variation 574829 (VCV000574829.6), dbSNP rs747605028, ClinGen allele CA192745627.